The following is an entry in ClinVar:

NM_032043.3(BRIP1):c.628-16C>A

Gene: BRIP1 (BRCA1 interacting DNA helicase 1; minus strand). Cytogenetic location: 17q23.2.
Variant type: single nucleotide variant.
Coding change: c.628-16C>A on transcript NM_032043.3 (MANE Select); 16 bases into the intron before coding-DNA position 628, C replaced by A.
Molecular consequence: intron variant.
Genome position (GRCh38, 1-based): chr17:61,808,773, G>T on the plus strand (C>A on the coding strand, the complement: BRIP1 is on the minus strand). VCF-style: chr17-61808773-G-T. GRCh37 (hg19) VCF-style: chr17-59886134-G-T.
Identifiers: ClinVar variation 377591 (VCV000377591.12), dbSNP rs770648312, ClinGen allele CA8690877.
Genomic context (GRCh38, chr17:61,808,773, plus strand): 5'-TCCTTGTTTAGTAGAACAACAGCACCTAGAACAGTGGCCAGGGGGCTGTAAGAAAGGAAA[G>T]AAACGATAACTAATATCTAAACTACCATAAAAAACGTTATCAAACCTCACATGGAATCAG-3'

ClinVar aggregate classification (germline): Likely benign. Review status: criteria provided, multiple submitters, no conflicts (2 of 4 stars). 3 submissions from 3 submitters: Likely benign (3). Last evaluated 2026-01-05.

Conditions:
Familial cancer of breast. Also called: Hereditary breast cancer; BREAST CANCER, FAMILIAL; hereditary breast carcinoma. Identifiers: Orphanet 227535, MedGen C0346153, MONDO:0016419, OMIM 114480. Disease mechanism: loss of function.
Fanconi anemia complementation group J. Also called: BRIP1-Related Fanconi Anemia. Identifiers: Orphanet 84, MedGen C1836860, MONDO:0012187, OMIM 609054.
Hereditary cancer-predisposing syndrome. Also called: Hereditary neoplastic syndrome; Tumor predisposition; Neoplastic Syndromes, Hereditary; Hereditary Cancer Syndrome. Identifiers: Orphanet 140162, MedGen C0027672, MeSH D009386, MONDO:0015356.

Allele frequency attached by ClinVar (database versions not stated): gnomAD exomes 0.00002 and 0.00012; gnomAD 0.00003; TOPMed 0.00008; ExAC 0.00013.

Submissions (3):

Labcorp Genetics (formerly Invitae), Labcorp
Classification: Likely benign for Familial cancer of breast; Fanconi anemia complementation group J. Last evaluated: 2026-01-05. Review status: criteria provided, single submitter. Criteria: Invitae Variant Classification Sherloc (09022015). Collection method: clinical testing. Allele origin: germline.

GeneDx
Classification: Likely benign. Last evaluated: 2017-07-19. Review status: criteria provided, single submitter. Criteria: GeneDx Variant Classification (06012015). Collection method: clinical testing. Allele origin: germline. Affected: yes.
Comment: This variant is considered likely benign or benign based on one or more of the following criteria: it is a conservative change, it occurs at a poorly conserved position in the protein, it is predicted to be benign by multiple in silico algorithms, and/or has population frequency not consistent with disease.

Color Diagnostics, LLC DBA Color Health
Classification: Likely benign for Hereditary cancer-predisposing syndrome. Last evaluated: 2015-04-03. Review status: criteria provided, single submitter. Criteria: ACMG Guidelines, 2015. Collection method: clinical testing. Allele origin: germline.